The following is an entry in ClinVar:

NM_001326342.2(CELF2):c.1516C>T (p.Arg506Cys)

Genes: CELF2 (CUGBP Elav-like family member 2; plus strand), CELF2-AS1 (CELF2 antisense RNA 1; minus strand). Cytogenetic location: 10p14.
Variant type: single nucleotide variant.
Coding change: c.1516C>T on transcript NM_001326342.2 (MANE Select); coding-DNA position 1516, C replaced by T.
Protein change: p.Arg506Cys; replaces arginine 506 with cysteine.
Molecular consequence: missense variant.
Genome position (GRCh38, 1-based): chr10:11,329,003, C>T. VCF-style: chr10-11329003-C-T. GRCh37 (hg19) VCF-style: chr10-11370966-C-T.
Other names: c.1423C>T, p.Arg475Cys (NM_001025076.2, NM_001326318.2, NM_001326320.2 and 6 more transcripts); c.1477C>T, p.Arg493Cys (NM_001025077.3, NM_001326319.2, NM_001326332.2); c.1417C>T, p.Arg473Cys (NM_001083591.1); c.1405C>T, p.Arg469Cys (NM_001326317.2, NM_001326329.2, NM_001326344.2 and 2 more transcripts); c.1447C>T, p.Arg483Cys (NM_001326321.2); c.1465C>T, p.Arg489Cys (NM_001326323.2); c.1570C>T, p.Arg524Cys (NM_001326325.2, NM_001326343.2); c.1513C>T, p.Arg505Cys (NM_001326326.2); and 14 more; short protein forms R265C, R271C, R382C, R388C, R437C, R469C, R473C, R475C.
Identifiers: ClinVar variation 1693106 (VCV001693106.5), dbSNP rs2132785331, ClinGen allele CA375974119.

ClinVar aggregate classification (germline): Pathogenic/Likely pathogenic. Review status: criteria provided, multiple submitters, no conflicts (2 of 4 stars). 2 submissions from 2 submitters: Pathogenic (1); Likely pathogenic (1). Last evaluated 2024-12-30.

Submissions (2):

GeneDx
Classification: Pathogenic. Last evaluated: 2024-12-30. Review status: criteria provided, single submitter. Criteria: GeneDx Variant Classification Process June 2021. Collection method: clinical testing. Allele origin: germline. Affected: yes.
Comment: Not observed at significant frequency in large population cohorts (gnomAD); In silico analysis supports that this missense variant has a deleterious effect on protein structure/function; Has not been previously published as pathogenic or benign to our knowledge

Clinical Genetics Laboratory, Skane University Hospital Lund
Classification: Likely pathogenic. Last evaluated: 2023-04-24. Review status: criteria provided, single submitter. Criteria: ACMG Guidelines, 2015. Collection method: clinical testing. Allele origin: germline. Affected: yes.